The following is an entry in ClinVar:

ClinVar aggregate classification (germline): Pathogenic/Likely pathogenic. Review status: criteria provided, multiple submitters, no conflicts (2 of 4 stars). 6 submissions from 6 submitters: Pathogenic (3); Likely pathogenic (3). Last evaluated 2025-08-11.

Conditions:
Hereditary breast ovarian cancer syndrome. Also called: Hereditary breast and ovarian cancer syndrome (HBOC); Breast and ovarian cancer; Hereditary breast and ovarian cancer; BRCA1- and BRCA2-Associated Hereditary Breast and Ovarian Cancer; Hereditary breast and/or ovarian cancer syndrome; Hereditary breast and ovarian cancer syndrome. Identifiers: Orphanet 145, MedGen C0677776, MeSH D061325, MONDO:0003582. Disease mechanism: loss of function.
Hereditary cancer-predisposing syndrome. Also called: Tumor predisposition; Hereditary neoplastic syndrome; Neoplastic Syndromes, Hereditary; Hereditary Cancer Syndrome. Identifiers: Orphanet 140162, MedGen C0027672, MeSH D009386, MONDO:0015356.
Aplastic anemia. Identifiers: Orphanet 182040, Orphanet 88, MedGen C0002874, MONDO:0015909, OMIM 609135, HP:0001915.
Microcephaly, normal intelligence and immunodeficiency (NBS). Also called: Nijmegen breakage syndrome; Microcephaly with normal intelligence immunodeficiency and lymphoreticular malignancies; Nonsyndromal microcephaly autosomal recessive with normal intelligence; Seemanova syndrome 2; Ataxia telangiectasia variant V1; SEEMANOVA SYNDROME II. Identifiers: Orphanet 647, MedGen C0398791, MONDO:0009623, OMIM 251260.

Allele frequency attached by ClinVar (database versions not stated): gnomAD 0.00001.

Submissions (6):

Labcorp Genetics (formerly Invitae), Labcorp
Classification: Pathogenic for Microcephaly, normal intelligence and immunodeficiency. Last evaluated: 2025-08-11. Review status: criteria provided, single submitter. Criteria: Invitae Variant Classification Sherloc (09022015). Collection method: clinical testing. Allele origin: germline.
Comment: This sequence change creates a premature translational stop signal (p.Gln59*) in the NBN gene. It is expected to result in an absent or disrupted protein product. Loss-of-function variants in NBN are known to be pathogenic (PMID: 9590180, 16415040). This variant is not present in population databases (gnomAD no frequency). This variant has not been reported in the literature in individuals affected with NBN-related conditions. ClinVar contains an entry for this variant (Variation ID: 496163). Algorithms developed to predict the effect of sequence changes on RNA splicing suggest that this variant may disrupt the consensus splice site. For these reasons, this variant has been classified as Pathogenic.

Baylor Genetics
Classification: Likely pathogenic for Aplastic anemia. Last evaluated: 2023-07-27. Review status: criteria provided, single submitter. Criteria: ACMG Guidelines, 2015. Collection method: clinical testing. Allele origin: unknown.

Ambry Genetics
Classification: Pathogenic for Hereditary cancer-predisposing syndrome. Last evaluated: 2022-05-16. Review status: criteria provided, single submitter. Criteria: Ambry Variant Classification Scheme 2023. Collection method: clinical testing. Allele origin: germline.
Comment: The p.Q59* pathogenic mutation (also known as c.175C>T), located in coding exon 3 of the NBN gene, results from a C to T substitution at nucleotide position 175. This changes the amino acid from a glutamine to a stop codon within coding exon 3. This variant is considered to be rare based on population cohorts in the Genome Aggregation Database (gnomAD). This alteration is expected to result in loss of function by premature protein truncation or nonsense-mediated mRNA decay. As such, this alteration is interpreted as a disease-causing mutation.

Revvity Omics, Revvity
Classification: Likely pathogenic. Last evaluated: 2021-12-31. Review status: criteria provided, single submitter. Criteria: ACMG Guidelines, 2015. Collection method: clinical testing. Allele origin: germline.

Genome-Nilou Lab
Classification: Pathogenic for Microcephaly, normal intelligence and immunodeficiency. Last evaluated: 2021-11-07. Review status: criteria provided, single submitter. Criteria: ACMG Guidelines, 2015. Collection method: clinical testing. Allele origin: germline. Affected: no.

Women's Health and Genetics/Laboratory Corporation of America, LabCorp
Classification: Likely pathogenic for Hereditary breast ovarian cancer syndrome. Last evaluated: 2016-10-06. Review status: criteria provided, single submitter. Criteria: LabCorp Variant Classification Summary - May 2015. Collection method: clinical testing. Allele origin: germline.
Comment: Variant summary: The c.175C>T (p.Gln59*) variant in NBN gene is a nonsense change that results in the loss of the 696 amino acids of NBN (~90%). This change is predicted to cause loss of normal protein function through protein truncation or nonsense-mediated mRNA decay. The variant is absent from control dataset of ExAC and has not, to our knowledge, been reported in affected individuals via published reports or cited by a reputable database/clinical laboratory. Biallelic truncating mutations in NBN are associated with Nijmegen breakage syndrome whereas heterozygous carriers of a truncated variant have an increased cancer risk. Taking together, the variant was classified as Likely Pathogenic.

Literature cited by the submitters: PubMed 9590180 (cited by Labcorp Genetics (formerly Invitae), Labcorp); PubMed 16415040 (cited by Labcorp Genetics (formerly Invitae), Labcorp).

NM_002485.5(NBN):c.175C>T (p.Gln59Ter)

Gene: NBN (nibrin; minus strand). Cytogenetic location: 8q21.3.
Variant type: single nucleotide variant.
Coding change: c.175C>T on transcript NM_002485.5 (MANE Select); coding-DNA position 175, C replaced by T.
Protein change: p.Gln59Ter; replaces glutamine 59 with a stop codon.
Molecular consequence: nonsense. On other transcripts: 5 prime UTR variant (1).
Genome position (GRCh38, 1-based): chr8:89,981,520, G>A on the plus strand (C>T on the coding strand, the complement: NBN is on the minus strand). VCF-style: chr8-89981520-G-A. GRCh37 (hg19) VCF-style: chr8-90993748-G-A.
Other names: c.-72C>T (NM_001024688.3); short protein forms Q59*.
Identifiers: ClinVar variation 496163 (VCV000496163.22), dbSNP rs1554568427, ClinGen allele CA371662638.